The following is an entry in ClinVar:

ClinVar aggregate classification (germline): Pathogenic. Review status: criteria provided, multiple submitters, no conflicts (2 of 4 stars). 3 submissions from 3 submitters: Pathogenic (3). Last evaluated 2026-03-30.

Conditions:
Hereditary breast ovarian cancer syndrome. Also called: Hereditary breast and/or ovarian cancer syndrome; Hereditary breast and ovarian cancer syndrome; Hereditary breast and ovarian cancer syndrome (HBOC); BRCA1- and BRCA2-Associated Hereditary Breast and Ovarian Cancer; Hereditary breast and ovarian cancer; Breast and ovarian cancer. Identifiers: Orphanet 145, MedGen C0677776, MeSH D061325, MONDO:0003582. Disease mechanism: loss of function.
Breast-ovarian cancer, familial, susceptibility to, 2 (BROVCA2). Also called: BRCA2 Hereditary Breast and Ovarian Cancer. Identifiers: Orphanet 145, MedGen C2675520, MONDO:0012933, OMIM 612555. Disease mechanism: loss of function.

Submissions (3):

GeneDx
Classification: Pathogenic. Last evaluated: 2026-03-30. Review status: criteria provided, single submitter. Criteria: GeneDx Variant Classification Process June 2021. Collection method: clinical testing. Allele origin: germline.
Comment: Nonsense variant predicted to result in protein truncation or nonsense mediated decay in a gene for which loss of function is a known mechanism of disease; Not observed at significant frequency in large population cohorts (gnomAD); Truncating variants in this gene are considered pathogenic by a well-established clinical consortium and/or database; Has not been previously published as pathogenic or benign to our knowledge; Also known as 3700G>T

Myriad Genetics, Inc.
Classification: Pathogenic for Breast-ovarian cancer, familial, susceptibility to, 2. Last evaluated: 2023-04-17. Review status: criteria provided, single submitter. Criteria: Myriad Autosomal Dominant, Autosomal Recessive and X-Linked Classification Criteria (2023). Collection method: clinical testing. Allele origin: unknown.
Comment: This variant is considered pathogenic. This variant creates a termination codon and is predicted to result in premature protein truncation.

Labcorp Genetics (formerly Invitae), Labcorp
Classification: Pathogenic for Hereditary breast ovarian cancer syndrome. Last evaluated: 2020-03-16. Review status: criteria provided, single submitter. Criteria: Invitae Variant Classification Sherloc (09022015). Collection method: clinical testing. Allele origin: germline.
Comment: This sequence change creates a premature translational stop signal (p.Glu1158*) in the BRCA2 gene. It is expected to result in an absent or disrupted protein product. This variant is not present in population databases (ExAC no frequency). This variant has not been reported in the literature in individuals with BRCA2-related conditions. Loss-of-function variants in BRCA2 are known to be pathogenic (PMID: 20104584). For these reasons, this variant has been classified as Pathogenic.

Literature cited by the submitters: PubMed 20104584 (cited by Labcorp Genetics (formerly Invitae), Labcorp).

NM_000059.4(BRCA2):c.3472G>T (p.Glu1158Ter)

Gene: BRCA2 (BRCA2 DNA repair associated; plus strand). Cytogenetic location: 13q13.1.
Variant type: single nucleotide variant.
Coding change: c.3472G>T on transcript NM_000059.4 (MANE Select); coding-DNA position 3472, G replaced by T.
Protein change: p.Glu1158Ter; replaces glutamic acid 1158 with a stop codon.
Molecular consequence: nonsense.
Genome position (GRCh38, 1-based): chr13:32,337,827, G>T. VCF-style: chr13-32337827-G-T. GRCh37 (hg19) VCF-style: chr13-32911964-G-T.
Other names: c.3472G>T (NM_000059.3); short protein forms E1158*.
Identifiers: ClinVar variation 1070335 (VCV001070335.8), dbSNP rs1555283258, ClinGen allele CA387776807.
Genomic context (GRCh38, chr13:32,337,827, plus strand): 5'-CAGAAGAGTACATTTGAAGTGCCTGAAAACCAGATGACTATCTTAAAGACCACTTCTGAG[G>T]AATGCAGAGATGCTGATCTTCATGTCATAATGAATGCCCCATCGATTGGTCAGGTAGACA-3'